The following is an entry in ClinVar:

ClinVar aggregate classification (germline): Conflicting classifications of pathogenicity. Review status: criteria provided, conflicting classifications (1 of 4 stars). 4 submissions from 4 submitters: Uncertain significance (1); Likely benign (3). Last evaluated 2025-11-18.

Conditions:
Inborn genetic diseases. Identifiers: MedGen C0950123, MeSH D030342.
Blepharophimosis - intellectual disability syndrome, SBBYS type (SBBYSS). Also called: Mental retardation unusual facies hypothyroidism; Say-Barber-Biesecker-Young-Simpson variant of Ohdo Syndrome; Say-Barber-Biesecker Variant of Ohdo Syndrome; Say-Barber-Biesecker variant of Ohdo syndrome (SBBYSS); Young Simpson syndrome; Ohdo syndrome, SBBYS variant. Identifiers: Orphanet 3047, MedGen C1863557, MONDO:0011365, OMIM 603736.
Genitopatellar syndrome (GTPTS). Also called: Genitopatellar syndrome (GPS); ABSENT PATELLAE, SCROTAL HYPOPLASIA, RENAL ANOMALIES, FACIAL DYSMORPHISM, AND MENTAL RETARDATION. Identifiers: Orphanet 85201, MedGen C1853566, MONDO:0011640, OMIM 606170.

Allele frequency attached by ClinVar (database versions not stated): gnomAD 0.00001; gnomAD exomes 0.00001 and 0.00003; TOPMed 0.00004.
gnomAD v4.1: 10 of 1,614,044 alleles (0.00062%); highest among the groups gnomAD compares: Admixed American, 0.015%; no homozygotes.

Submissions (4):

Women's Health and Genetics/Laboratory Corporation of America, LabCorp
Classification: Likely benign. Last evaluated: 2025-11-18. Review status: criteria provided, single submitter. Criteria: LabCorp Variant Classification Summary - May 2015. Collection method: clinical testing. Allele origin: germline.
Comment: Variant summary: KAT6B c.1667A>T (p.Gln556Leu) results in a non-conservative amino acid change in the encoded protein sequence. Algorithms developed to predict the effect of missense changes on protein structure and function are either unavailable or do not agree on the potential impact of this missense change. The variant allele was found at a frequency of 3.2e-05 in 251402 control chromosomes. The available data on variant occurrences in the general population are insufficient to allow any conclusion about variant significance. To our knowledge, no occurrence of c.1667A>T in individuals affected with KAT6B-related conditions and no experimental evidence demonstrating its impact on protein function have been reported. ClinVar contains an entry for this variant (Variation ID: 1491338). Based on the evidence outlined above, the variant was classified as likely benign.

Labcorp Genetics (formerly Invitae), Labcorp
Classification: Likely benign for Genitopatellar syndrome. Last evaluated: 2025-09-24. Review status: criteria provided, single submitter. Criteria: Invitae Variant Classification Sherloc (09022015). Collection method: clinical testing. Allele origin: germline.

Ambry Genetics
Classification: Likely benign for Inborn genetic diseases. Last evaluated: 2024-01-19. Review status: criteria provided, single submitter. Criteria: Ambry Variant Classification Scheme 2023. Collection method: clinical testing. Allele origin: germline.

Fulgent Genetics
Classification: Uncertain significance for Blepharophimosis - intellectual disability syndrome, SBBYS type; Genitopatellar syndrome. Last evaluated: 2021-07-21. Review status: criteria provided, single submitter. Criteria: ACMG Guidelines, 2015. Collection method: clinical testing. Allele origin: unknown.

NM_012330.4(KAT6B):c.1667A>T (p.Gln556Leu)

Gene: KAT6B (lysine acetyltransferase 6B; plus strand). Cytogenetic location: 10q22.2.
Variant type: single nucleotide variant.
Coding change: c.1667A>T on transcript NM_012330.4 (MANE Select); coding-DNA position 1667, A replaced by T.
Protein change: p.Gln556Leu; replaces glutamine 556 with leucine.
Molecular consequence: missense variant. On other transcripts: intron variant (13).
Genome position (GRCh38, 1-based): chr10:74,976,004, A>T. VCF-style: chr10-74976004-A-T. GRCh37 (hg19) VCF-style: chr10-76735762-A-T.
Other names: c.1667A>T, p.Gln556Leu (NM_001370136.1, NM_001370137.1); c.1117+550A>T (NM_001370139.1, NM_001370140.1, NM_001370141.1 and 3 more transcripts); c.1444+223A>T (NM_001370138.1, NM_001256468.2); c.846+6229A>T (NM_001370133.1); c.193-3220A>T (NM_001370134.1); c.929-1312A>T (NM_001370143.1, NM_001370144.1); c.193-13015A>T (NM_001370135.1); c.1667A>T (NM_012330.2); short protein forms Q556L.
Identifiers: ClinVar variation 1491338 (VCV001491338.11), dbSNP rs965354059, ClinGen allele CA209703390.